The following is an entry in ClinVar:

ClinVar aggregate classification (germline): Uncertain significance (1 of 4 stars; one submission).

Submission:

Labcorp Genetics (formerly Invitae), Labcorp
Classification: Uncertain significance. Last evaluated: 2024-05-05. Review status: criteria provided, single submitter. Criteria: Invitae Variant Classification Sherloc (09022015). Collection method: clinical testing. Allele origin: germline.
Comment: This sequence change replaces serine, which is neutral and polar, with threonine, which is neutral and polar, at codon 665 of the MSH3 protein (p.Ser665Thr). This variant is not present in population databases (gnomAD no frequency). This variant has not been reported in the literature in individuals affected with MSH3-related conditions. An algorithm developed to predict the effect of missense changes on protein structure and function (PolyPhen-2) suggests that this variant is likely to be tolerated. RNA analysis performed to evaluate the impact of this missense change on mRNA splicing indicates it does not significantly alter splicing (Invitae). In summary, the available evidence is currently insufficient to determine the role of this variant in disease. Therefore, it has been classified as a Variant of Uncertain Significance.

NM_002439.5(MSH3):c.1993T>A (p.Ser665Thr)

Gene: MSH3 (mutS homolog 3; plus strand). Cytogenetic location: 5q14.1.
Variant type: single nucleotide variant.
Coding change: c.1993T>A on transcript NM_002439.5 (MANE Select); coding-DNA position 1993, T replaced by A.
Protein change: p.Ser665Thr; replaces serine 665 with threonine.
Molecular consequence: missense variant.
Genome position (GRCh38, 1-based): chr5:80,768,029, T>A. VCF-style: chr5-80768029-T-A. GRCh37 (hg19) VCF-style: chr5-80063848-T-A.
Other names: short protein forms S665T.
Identifiers: ClinVar variation 3651615 (VCV003651615.2).